The following is an entry in ClinVar:

ClinVar aggregate classification (germline): Uncertain significance (1 of 4 stars; one submission).

Submission:

Labcorp Genetics (formerly Invitae), Labcorp
Classification: Uncertain significance. Last evaluated: 2024-01-22. Review status: criteria provided, single submitter. Criteria: Invitae Variant Classification Sherloc (09022015). Collection method: clinical testing. Allele origin: germline.
Comment: This sequence change replaces glutamine, which is neutral and polar, with glutamic acid, which is acidic and polar, at codon 1457 of the ABCA1 protein (p.Gln1457Glu). This variant is not present in population databases (gnomAD no frequency). This variant has not been reported in the literature in individuals affected with ABCA1-related conditions. Advanced modeling of protein sequence and biophysical properties (such as structural, functional, and spatial information, amino acid conservation, physicochemical variation, residue mobility, and thermodynamic stability) performed at Invitae indicates that this missense variant is not expected to disrupt ABCA1 protein function with a negative predictive value of 95%. In summary, the available evidence is currently insufficient to determine the role of this variant in disease. Therefore, it has been classified as a Variant of Uncertain Significance.

NM_005502.4(ABCA1):c.4369C>G (p.Gln1457Glu)

Gene: ABCA1 (ATP binding cassette subfamily A member 1; minus strand). Cytogenetic location: 9q31.1.
Variant type: single nucleotide variant.
Coding change: c.4369C>G on transcript NM_005502.4 (MANE Select); coding-DNA position 4369, C replaced by G.
Protein change: p.Gln1457Glu; replaces glutamine 1457 with glutamic acid.
Molecular consequence: missense variant.
Genome position (GRCh38, 1-based): chr9:104,806,336, G>C on the plus strand (C>G on the coding strand, the complement: ABCA1 is on the minus strand). VCF-style: chr9-104806336-G-C. GRCh37 (hg19) VCF-style: chr9-107568617-G-C.
Other names: short protein forms Q1457E.
Identifiers: ClinVar variation 2988077 (VCV002988077.3), dbSNP rs2538094125, ClinGen allele CA374315652.